The following is an entry in ClinVar:

ClinVar aggregate classification (germline): Uncertain significance. Review status: criteria provided, multiple submitters, no conflicts (2 of 4 stars). 6 submissions from 6 submitters: Uncertain significance (5). 1 of the submissions does not count toward it. Last evaluated 2026-04-07.

Conditions:
RPGRIP1L-related disorder. Also called: RPGRIP1L-related condition; RPGRIP1L-related disorders. Identifiers: MedGen CN239416.
Meckel-Gruber syndrome. Also called: GRUBER SYNDROME; Dysencephalia splachnocystica; DYSENCEPHALIA SPLANCHNOCYSTICA. Identifiers: Orphanet 564, MedGen C0265215, MONDO:0018921.
Joubert syndrome. Also called: Familial aplasia of the vermis; JOUBERT-BOLTSHAUSER SYNDROME. Identifiers: Orphanet 475, MedGen C5979921, MONDO:0018772.
Joubert syndrome 7 (JBTS7). Identifiers: Orphanet 220497, MedGen C1969053, MONDO:0012694, OMIM 611560.
Meckel syndrome, type 5 (MKS5). Identifiers: Orphanet 564, MedGen C1969052, MONDO:0012695, OMIM 611561.
COACH syndrome 3. Identifiers: MedGen C5436841, MONDO:0030862, OMIM 619113.
Inborn genetic diseases. Identifiers: MedGen C0950123, MeSH D030342.

Allele frequency attached by ClinVar (database versions not stated): ExAC 0.00005; gnomAD 0.00005; gnomAD exomes 0.00006 and 0.00012; TOPMed 0.00006; ESP Exome Variant Server 0.00008.
gnomAD v4.1: 180 of 1,613,990 alleles (0.011%); highest among the groups gnomAD compares: Non-Finnish European, 0.014%; no homozygotes.

Submissions (6):

PreventionGenetics, part of Exact Sciences
Classification: Uncertain significance for RPGRIP1L-related condition. Last evaluated: 2026-04-07. Review status: criteria provided, single submitter. Criteria: ACMG Guidelines, 2015. Collection method: clinical testing. Allele origin: germline.
Comment: The RPGRIP1L c.1631A>G variant is predicted to result in the amino acid substitution p.Tyr544Cys. To our knowledge, this variant has not been reported in the literature. This variant is reported in 0.012% of alleles in individuals of European (Non-Finnish) descent in gnomAD. At this time, the clinical significance of this variant is uncertain due to the absence of conclusive functional and genetic evidence.

Labcorp Genetics (formerly Invitae), Labcorp
Classification: Uncertain significance for Joubert syndrome; Meckel-Gruber syndrome. Last evaluated: 2022-10-05. Review status: criteria provided, single submitter. Criteria: Invitae Variant Classification Sherloc (09022015). Collection method: clinical testing. Allele origin: germline.
Comment: This sequence change replaces tyrosine, which is neutral and polar, with cysteine, which is neutral and slightly polar, at codon 544 of the RPGRIP1L protein (p.Tyr544Cys). This variant is present in population databases (rs139964287, gnomAD 0.01%). This variant has not been reported in the literature in individuals affected with RPGRIP1L-related conditions. ClinVar contains an entry for this variant (Variation ID: 969413). Advanced modeling of protein sequence and biophysical properties (such as structural, functional, and spatial information, amino acid conservation, physicochemical variation, residue mobility, and thermodynamic stability) performed at Invitae indicates that this missense variant is not expected to disrupt RPGRIP1L protein function. In summary, the available evidence is currently insufficient to determine the role of this variant in disease. Therefore, it has been classified as a Variant of Uncertain Significance.

Fulgent Genetics
Classification: Uncertain significance for Joubert syndrome 7; Meckel syndrome, type 5; COACH syndrome 3. Last evaluated: 2021-12-06. Review status: criteria provided, single submitter. Criteria: ACMG Guidelines, 2015. Collection method: clinical testing. Allele origin: unknown.

Ambry Genetics
Classification: Uncertain significance for Inborn genetic diseases. Last evaluated: 2021-09-17. Review status: criteria provided, single submitter. Criteria: Ambry Variant Classification Scheme 2023. Collection method: clinical testing. Allele origin: germline.

Breakthrough Genomics
Classification: Uncertain significance. Review status: criteria provided, single submitter. Criteria: ACMG Guidelines, 2015. Collection method: not provided. Allele origin: germline. Inheritance: Autosomal recessive inheritance. Affected: yes.

Natera, Inc.
Classification: Uncertain significance for Joubert syndrome. Last evaluated: 2020-05-05. Review status: no assertion criteria provided. Collection method: clinical testing. Allele origin: germline. Not counted in ClinVar's aggregate classification.

NM_015272.5(RPGRIP1L):c.1631A>G (p.Tyr544Cys)

Gene: RPGRIP1L (RPGRIP1 like; minus strand). Cytogenetic location: 16q12.2.
Variant type: single nucleotide variant.
Coding change: c.1631A>G on transcript NM_015272.5 (MANE Select); coding-DNA position 1631, A replaced by G.
Protein change: p.Tyr544Cys; replaces tyrosine 544 with cysteine.
Molecular consequence: missense variant.
Genome position (GRCh38, 1-based): chr16:53,656,540, T>C on the plus strand (A>G on the coding strand, the complement: RPGRIP1L is on the minus strand). VCF-style: chr16-53656540-T-C. GRCh37 (hg19) VCF-style: chr16-53690452-T-C.
Other names: c.1631A>G, p.Tyr544Cys (NM_001127897.4, NM_001308334.3, NM_001330538.2); c.1631A>G (NM_015272.4); short protein forms Y544C.
Identifiers: ClinVar variation 969413 (VCV000969413.10), dbSNP rs139964287, ClinGen allele CA8057746.
Genomic context (GRCh38, chr16:53,656,540, plus strand): 5'-TTATGGATACGTGCAGCCCTGATATCAAGAAGATGAACATACTGTTCCACTTTGAGTTCA[T>C]AATCTTGCTGCAAATTTTCCATCTTACGGGTCACTGCCTCAACCTCCATCTACAAAATAA-3'
Protein context (NP_056087.2, residues 534-554): TRKMENLQQD[Tyr544Cys]ELKVEQYVHL